The following is an entry in ClinVar:

ClinVar aggregate classification (germline): Uncertain significance (1 of 4 stars; one submission).

Submission:

GeneDx
Classification: Uncertain significance. Last evaluated: 2026-03-02. Review status: criteria provided, single submitter. Criteria: GeneDx Variant Classification Process June 2021. Collection method: clinical testing. Allele origin: germline.
Comment: Not observed at significant frequency in large population cohorts (gnomAD); In-frame deletion of 2 amino acid(s) in a non-repeat region; In silico analysis suggests that this variant does not alter protein structure/function; Has not been previously published as pathogenic or benign to our knowledge

NM_020822.3(KCNT1):c.1871ACATCA[1] (p.Asn626_Ile627del)

Gene: KCNT1 (potassium sodium-activated channel subfamily T member 1; plus strand). Cytogenetic location: 9q34.3.
Variant type: Microsatellite.
Coding change: c.1871ACATCA[1] on transcript NM_020822.3 (MANE Select); one copy of the 6-base unit ACATCA starting at c.1871; the reference has two copies in a row; one copy, 6 bases deleted.
Protein change: p.Asn626_Ile627del.
Molecular consequence: inframe deletion.
Genome position (GRCh38, 1-based): chr9:135,770,964-135,770,969, ACATCA deleted; deleting any 6 consecutive bases within chr9:135,770,958-135,770,969 gives the same sequence; the position shown is the placement nearest the transcript's 3' end. VCF-style (leftmost placement, unchanged base first): chr9-135770957-TACATCA-T. GRCh37 (hg19) VCF-style: chr9-138662803-TACATCA-T.
Other names: c.1736ACATCA[1], p.Asn581_Ile582del (NM_001272003.2).
Identifiers: ClinVar variation 5010032 (VCV005010032.1).